The following is an entry in ClinVar:

ClinVar aggregate classification (germline): Pathogenic (1 of 4 stars; one submission).

Conditions:
Junctional epidermolysis bullosa. Identifiers: Orphanet 305, MedGen C0079301, MONDO:0017612.

Submission:

Myriad Genetics, Inc.
Classification: Pathogenic for Junctional epidermolysis bullosa. Last evaluated: 2023-09-27. Review status: criteria provided, single submitter. Criteria: Myriad Autosomal Dominant, Autosomal Recessive and X-Linked Classification Criteria (2023). Collection method: clinical testing. Allele origin: unknown.
Comment: NM_000228.2(LAMB3):c.2933dupG(Q979Pfs*39) is expected to be pathogenic in the context of junctional epidermolysis bullosa, LAMB3-related. This variant is predicted to lead to an abnormal or absent protein product due to the creation of a premature termination codon in LAMB3, a gene where loss-of-function variants are known to be pathogenic. Please note: this variant was assessed in the context of healthy population screening.

NM_000228.3(LAMB3):c.2933dup (p.Gln979fs)

Gene: LAMB3 (laminin subunit beta 3; minus strand). Cytogenetic location: 1q32.2.
Variant type: Duplication.
Coding change: c.2933dup on transcript NM_000228.3 (MANE Select); coding-DNA position 2933, one base duplicated (G; older notation c.2933dupG).
Protein change: p.Gln979fs; shifts the reading frame from glutamine 979.
Molecular consequence: frameshift variant.
Genome position (GRCh38, 1-based): chr1:209,618,025, C duplicated on the plus strand (G on the coding strand, the reverse complement: LAMB3 is on the minus strand); the first of 3 consecutive C bases (chr1:209,618,025-209,618,027); duplicating any one gives the same sequence. VCF-style (leftmost placement, unchanged base first): chr1-209618024-G-GC. GRCh37 (hg19) VCF-style: chr1-209791369-G-GC.
Other names: c.2933dup, p.Gln979fs (NM_001017402.2, NM_001127641.1); short protein forms Q979fs.
Identifiers: ClinVar variation 5012140 (VCV005012140.1).